The following is an entry in ClinVar:

NM_000492.4(CFTR):c.4265G>C (p.Arg1422Pro)

Genes: CFTR (CF transmembrane conductance regulator; plus strand), LOC111674477 (CFTR intron 23 enhancer; plus strand). Cytogenetic location: 7q31.2.
Variant type: single nucleotide variant.
Coding change: c.4265G>C on transcript NM_000492.4 (MANE Select); coding-DNA position 4265, G replaced by C.
Protein change: p.Arg1422Pro; replaces arginine 1422 with proline.
Molecular consequence: missense variant.
Genome position (GRCh38, 1-based): chr7:117,666,930, G>C. VCF-style: chr7-117666930-G-C. GRCh37 (hg19) VCF-style: chr7-117306984-G-C.
Other names: short protein forms R1422P.
Identifiers: ClinVar variation 2453614 (VCV002453614.2), dbSNP rs780785939, ClinGen allele CA368984467.

ClinVar aggregate classification (germline): Uncertain significance (1 of 4 stars; one submission).

Conditions:
Cystic fibrosis (CF). Also called: MUCOVISCIDOSIS. Identifiers: Orphanet 586, MedGen C0010674, MONDO:0009061, OMIM 219700. Disease mechanism: loss of function.

Allele frequency attached by ClinVar (database versions not stated): gnomAD 0.00001.
gnomAD v4.1: 1 of 1,613,884 alleles (0.000062%); highest among the groups gnomAD compares: Non-Finnish European, 0.000085%; no homozygotes.

Submission:

Ambry Genetics
Classification: Uncertain significance for Cystic fibrosis. Last evaluated: 2022-11-10. Review status: criteria provided, single submitter. Criteria: Ambry Variant Classification Scheme 2023. Collection method: clinical testing. Allele origin: germline.
Comment: The p.R1422P variant (also known as c.4265G>C), located in coding exon 27 of the CFTR gene, results from a G to C substitution at nucleotide position 4265. The arginine at codon 1422 is replaced by proline, an amino acid with dissimilar properties. This amino acid position is conserved. In addition, the in silico prediction for this alteration is inconclusive. Since supporting evidence is limited at this time, the clinical significance of this alteration remains unclear.